The following is an entry in ClinVar:

NM_004168.4(SDHA):c.1910T>C (p.Val637Ala)

Gene: SDHA (succinate dehydrogenase complex flavoprotein subunit A; plus strand). Cytogenetic location: 5p15.33.
Variant type: single nucleotide variant.
Coding change: c.1910T>C on transcript NM_004168.4 (MANE Select); coding-DNA position 1910, T replaced by C.
Protein change: p.Val637Ala; replaces valine 637 with alanine.
Molecular consequence: missense variant.
Genome position (GRCh38, 1-based): chr5:256,335, T>C. VCF-style: chr5-256335-T-C. GRCh37 (hg19) VCF-style: chr5-256450-T-C.
Other names: c.1766T>C, p.Val589Ala (NM_001294332.2); c.1667T>C, p.Val556Ala (NM_001330758.2); short protein forms V637A, V589A, V556A.
Identifiers: ClinVar variation 1042425 (VCV001042425.16), dbSNP rs1737179959, ClinGen allele CA359002568.
Genomic context (GRCh38, chr5:256,335, plus strand): 5'-CAAGAGATGGCTTTTTGTACATTTTTGTGCTTAACTTACCACTGACTCTTCTTTTCAAGG[T>C]CACTCTGGAATATAGACCCGTGATCGACAAAACTTTGAACGAGGCTGACTGTGCCACCGT-3'
Protein context (NP_004159.2, residues 627-647): LSYVDVGTGK[Val637Ala]TLEYRPVIDK

ClinVar aggregate classification (germline): Uncertain significance. Review status: criteria provided, multiple submitters, no conflicts (2 of 4 stars). 2 submissions from 2 submitters: Uncertain significance (2). Last evaluated 2024-02-19.

Conditions:
Mitochondrial complex II deficiency, nuclear type 1. Also called: SUCCINATE CoQ REDUCTASE DEFICIENCY. Identifiers: Orphanet 3208, MedGen C5700310, MONDO:0100294, OMIM 252011.
Pheochromocytoma/paraganglioma syndrome 5. Also called: Paragangliomas 5; SDHA-Related Hereditary Paraganglioma-Pheochromocytoma Syndrome. Identifiers: Orphanet 29072, MedGen C3279992, MONDO:0013602, OMIM 614165.
Hereditary cancer-predisposing syndrome. Also called: Tumor predisposition; Hereditary neoplastic syndrome; Neoplastic Syndromes, Hereditary; Hereditary Cancer Syndrome. Identifiers: Orphanet 140162, MedGen C0027672, MeSH D009386, MONDO:0015356.

Submissions (2):

Labcorp Genetics (formerly Invitae), Labcorp
Classification: Uncertain significance for Pheochromocytoma/paraganglioma syndrome 5; Mitochondrial complex II deficiency, nuclear type 1. Last evaluated: 2024-02-19. Review status: criteria provided, single submitter. Criteria: Invitae Variant Classification Sherloc (09022015). Collection method: clinical testing. Allele origin: germline.
Comment: This sequence change replaces valine, which is neutral and non-polar, with alanine, which is neutral and non-polar, at codon 637 of the SDHA protein (p.Val637Ala). This variant is not present in population databases (gnomAD no frequency). This variant has not been reported in the literature in individuals affected with SDHA-related conditions. ClinVar contains an entry for this variant (Variation ID: 1042425). An algorithm developed to predict the effect of missense changes on protein structure and function (PolyPhen-2) suggests that this variant is likely to be disruptive. In summary, the available evidence is currently insufficient to determine the role of this variant in disease. Therefore, it has been classified as a Variant of Uncertain Significance.

Ambry Genetics
Classification: Uncertain significance for Hereditary cancer-predisposing syndrome. Last evaluated: 2024-01-30. Review status: criteria provided, single submitter. Criteria: Ambry Variant Classification Scheme 2023. Collection method: clinical testing. Allele origin: germline.
Comment: The p.V637A variant (also known as c.1910T>C), located in coding exon 15 of the SDHA gene, results from a T to C substitution at nucleotide position 1910. The valine at codon 637 is replaced by alanine, an amino acid with similar properties. This amino acid position is highly conserved in available vertebrate species. In addition, the in silico prediction for this alteration is inconclusive. Based on the available evidence, the clinical significance of this alteration remains unclear.